The following is an entry in ClinVar:

NM_001376.5(DYNC1H1):c.9584A>T (p.Glu3195Val)

Gene: DYNC1H1 (dynein cytoplasmic 1 heavy chain 1; plus strand). Cytogenetic location: 14q32.31.
Variant type: single nucleotide variant.
Coding change: c.9584A>T on transcript NM_001376.5 (MANE Select); coding-DNA position 9584, A replaced by T.
Protein change: p.Glu3195Val; replaces glutamic acid 3195 with valine.
Molecular consequence: missense variant.
Genome position (GRCh38, 1-based): chr14:102,029,654, A>T. VCF-style: chr14-102029654-A-T. GRCh37 (hg19) VCF-style: chr14-102495991-A-T.
Other names: short protein forms E3195V.
Identifiers: ClinVar variation 1479534 (VCV001479534.6), dbSNP rs2152590164, ClinGen allele CA391015986.

ClinVar aggregate classification (germline): Uncertain significance (1 of 4 stars; one submission).

Conditions:
Charcot-Marie-Tooth disease axonal type 2O. Also called: Charcot-Marie-Tooth disease, axonal, type 20; CHARCOT-MARIE-TOOTH NEUROPATHY, AXONAL, TYPE 2O; CHARCOT-MARIE-TOOTH DISEASE, AXONAL, AUTOSOMAL DOMINANT, TYPE 2O; Charcot-Marie-Tooth Neuropathy Type 2O. Identifiers: Orphanet 284232, MedGen C3280220, MONDO:0013644, OMIM 614228.

Submission:

Labcorp Genetics (formerly Invitae), Labcorp
Classification: Uncertain significance for Charcot-Marie-Tooth disease axonal type 2O. Last evaluated: 2022-02-09. Review status: criteria provided, single submitter. Criteria: Invitae Variant Classification Sherloc (09022015). Collection method: clinical testing. Allele origin: germline.
Comment: This sequence change replaces glutamic acid, which is acidic and polar, with valine, which is neutral and non-polar, at codon 3195 of the DYNC1H1 protein (p.Glu3195Val). This variant is not present in population databases (gnomAD no frequency). This variant has not been reported in the literature in individuals affected with DYNC1H1-related conditions. Algorithms developed to predict the effect of missense changes on protein structure and function (SIFT, PolyPhen-2, Align-GVGD) all suggest that this variant is likely to be disruptive. In summary, the available evidence is currently insufficient to determine the role of this variant in disease. Therefore, it has been classified as a Variant of Uncertain Significance.